The following is an entry in ClinVar:

NM_004153.4(ORC1):c.233C>T (p.Pro78Leu)

Gene: ORC1 (origin recognition complex subunit 1; minus strand). Cytogenetic location: 1p32.3.
Variant type: single nucleotide variant.
Coding change: c.233C>T on transcript NM_004153.4 (MANE Select); coding-DNA position 233, C replaced by T.
Protein change: p.Pro78Leu; replaces proline 78 with leucine.
Molecular consequence: missense variant.
Genome position (GRCh38, 1-based): chr1:52,397,854, G>A on the plus strand (C>T on the coding strand, the complement: ORC1 is on the minus strand). VCF-style: chr1-52397854-G-A. GRCh37 (hg19) VCF-style: chr1-52863526-G-A.
Other names: c.233C>T, p.Pro78Leu (NM_001190818.2, NM_001190819.2); short protein forms P78L.
Identifiers: ClinVar variation 3412364 (VCV003412364.3).

ClinVar aggregate classification (germline): Uncertain significance. Review status: criteria provided, multiple submitters, no conflicts (2 of 4 stars). 2 submissions from 2 submitters: Uncertain significance (2). Last evaluated 2025-05-15.

Conditions:
Inborn genetic diseases. Identifiers: MedGen C0950123, MeSH D030342.
Meier-Gorlin syndrome 1 (MGORS1). Also called: EAR, PATELLA, SHORT STATURE SYNDROME. Identifiers: Orphanet 2554, MedGen C4552001, MONDO:0009143, OMIM 224690.

gnomAD v4.1: 58 of 1,614,196 alleles (0.0036%); highest among the groups gnomAD compares: South Asian, 0.051%; 1 homozygote.

Submissions (2):

Dasa
Classification: Uncertain significance for Meier-Gorlin syndrome 1. Last evaluated: 2025-05-15. Review status: criteria provided, single submitter. Criteria: DASA Assertion Criteria. Collection method: clinical testing. Allele origin: germline.
Comment: NM_004153.4(ORC1):c.233C>T (p.Pro78Leu) is a missense variant that results in the substitution of proline with leucine. This variant has been observed in affected individuals with ORC1-related disorders. Also, this variant is rare in population databases. Computational prediction algorithms are consistent with a benign effect. The currently available literature and clinical evidence are not sufficient to establish a definitive association between this variant and the reported condition. Therefore, this variant is classified as a variant of uncertain significance.

Ambry Genetics
Classification: Uncertain significance for Inborn genetic diseases. Last evaluated: 2024-09-24. Review status: criteria provided, single submitter. Criteria: Ambry Variant Classification Scheme 2023. Collection method: clinical testing. Allele origin: germline.